The following is an entry in ClinVar:

NM_000203.5(IDUA):c.1602del (p.Leu535fs)

Gene: IDUA (alpha-L-iduronidase; plus strand). Cytogenetic location: 4p16.3.
Variant type: Deletion.
Coding change: c.1602del on transcript NM_000203.5 (MANE Select); coding-DNA position 1602, one base deleted (G; older notation c.1602delG).
Protein change: p.Leu535fs; shifts the reading frame from leucine 535.
Molecular consequence: frameshift variant. On other transcripts: non-coding transcript variant (1).
Genome position (GRCh38, 1-based): chr4:1,003,422, G deleted. VCF-style (leftmost placement, unchanged base first): chr4-1003421-CG-C. GRCh37 (hg19) VCF-style: chr4-997209-CG-C.
Other names: c.1206del, p.Leu403fs (NM_001363576.1); short protein forms L403fs, L535fs.
Identifiers: ClinVar variation 552506 (VCV000552506.13), dbSNP rs1553917566, ClinGen allele CA658823296.

ClinVar aggregate classification (germline): Pathogenic/Likely pathogenic. Review status: criteria provided, multiple submitters, no conflicts (2 of 4 stars). 3 submissions from 3 submitters: Pathogenic (1); Likely pathogenic (1). 1 of the submissions does not count toward it. Last evaluated 2024-02-24.

Conditions:
Mucopolysaccharidosis type 1. Also called: Mucopolysaccharidosis Type I; IDUA deficiency; MPS I. Identifiers: Orphanet 579, MedGen C0023786, MONDO:0001586.
Hurler syndrome. Also called: Gargoylism, Hurler Syndrome; MUCOPOLYSACCHARIDOSIS TYPE IH; Severe MPS I (Hurler Syndrome). Identifiers: Orphanet 93473, MedGen C0086795, MONDO:0011758, OMIM 607014.
Mucopolysaccharidosis, MPS-I-S. Also called: Scheie Syndrome; MPS V; MUCOPOLYSACCHARIDOSIS TYPE V; MUCOPOLYSACCHARIDOSIS TYPE IS. Identifiers: Orphanet 93474, MedGen C0026708, MONDO:0011760, OMIM 607016.
Mucopolysaccharidosis, MPS-I-H/S. Also called: Mucopolysaccharidosis type IH/S. Identifiers: Orphanet 93476, MedGen C0086431, MONDO:0011759, OMIM 607015.

Allele frequency attached by ClinVar (database versions not stated): gnomAD exomes 0.00001.

Submissions (3):

Fulgent Genetics
Classification: Likely pathogenic for Hurler syndrome; Mucopolysaccharidosis, MPS-I-H/S; Mucopolysaccharidosis, MPS-I-S. Last evaluated: 2024-02-24. Review status: criteria provided, single submitter. Criteria: ACMG Guidelines, 2015. Collection method: clinical testing. Allele origin: germline.

Labcorp Genetics (formerly Invitae), Labcorp
Classification: Pathogenic for Mucopolysaccharidosis type 1. Last evaluated: 2022-08-18. Review status: criteria provided, single submitter. Criteria: Invitae Variant Classification Sherloc (09022015). Collection method: clinical testing. Allele origin: germline.
Comment: For these reasons, this variant has been classified as Pathogenic. ClinVar contains an entry for this variant (Variation ID: 552506). This premature translational stop signal has been observed in individual(s) with MPS I (Invitae). This variant is not present in population databases (gnomAD no frequency). This sequence change creates a premature translational stop signal (p.Leu535Phefs*25) in the IDUA gene. It is expected to result in an absent or disrupted protein product. Loss-of-function variants in IDUA are known to be pathogenic (PMID: 11735025, 21480867).

Counsyl
Classification: Likely pathogenic for Hurler syndrome. Last evaluated: 2017-06-13. Review status: no assertion criteria provided. Collection method: clinical testing. Allele origin: unknown. Not counted in ClinVar's aggregate classification.

Literature cited by the submitters: PubMed 11735025 (cited by Labcorp Genetics (formerly Invitae), Labcorp); PubMed 21480867 (cited by Labcorp Genetics (formerly Invitae), Labcorp).